The following is an entry in ClinVar:

NM_021020.5(LZTS1):c.550A>G (p.Thr184Ala)

Gene: LZTS1 (leucine zipper tumor suppressor 1; minus strand). Cytogenetic location: 8p21.3.
Variant type: single nucleotide variant.
Coding change: c.550A>G on transcript NM_021020.5 (MANE Select); coding-DNA position 550, A replaced by G.
Protein change: p.Thr184Ala; replaces threonine 184 with alanine.
Molecular consequence: missense variant.
Genome position (GRCh38, 1-based): chr8:20,253,381, T>C on the plus strand (A>G on the coding strand, the complement: LZTS1 is on the minus strand). VCF-style: chr8-20253381-T-C. GRCh37 (hg19) VCF-style: chr8-20110892-T-C.
Other names: c.550A>G, p.Thr184Ala (NM_001362884.2); c.550A>G (NM_021020.2); short protein forms T184A.
Identifiers: ClinVar variation 1381288 (VCV001381288.7), dbSNP rs374260532, ClinGen allele CA4657496.

ClinVar aggregate classification (germline): Uncertain significance. Review status: criteria provided, multiple submitters, no conflicts (2 of 4 stars). 2 submissions from 2 submitters: Uncertain significance (2). Last evaluated 2026-01-07.

Allele frequency attached by ClinVar (database versions not stated): ExAC 0.00001; gnomAD exomes 0.00001 and 0.00003; gnomAD 0.00003 and 0.00004; TOPMed 0.00005; ESP Exome Variant Server 0.00008.
gnomAD v4.1: 58 of 1,612,988 alleles (0.0036%); highest among the groups gnomAD compares: Non-Finnish European, 0.0043%; 1 homozygote.

Submissions (2):

Labcorp Genetics (formerly Invitae), Labcorp
Classification: Uncertain significance. Last evaluated: 2026-01-07. Review status: criteria provided, single submitter. Criteria: Invitae Variant Classification Sherloc (09022015). Collection method: clinical testing. Allele origin: germline.
Comment: This sequence change replaces threonine, which is neutral and polar, with alanine, which is neutral and non-polar, at codon 184 of the LZTS1 protein (p.Thr184Ala). This variant is present in population databases (rs374260532, gnomAD 0.004%). This variant has not been reported in the literature in individuals affected with LZTS1-related conditions. ClinVar contains an entry for this variant (Variation ID: 1381288). Invitae Evidence Modeling of protein sequence and biophysical properties (such as structural, functional, and spatial information, amino acid conservation, physicochemical variation, residue mobility, and thermodynamic stability) indicates that this missense variant is expected to disrupt LZTS1 protein function with a positive predictive value of 80%. In summary, the available evidence is currently insufficient to determine the role of this variant in disease. Therefore, it has been classified as a Variant of Uncertain Significance.

Ambry Genetics
Classification: Uncertain significance. Last evaluated: 2023-01-20. Review status: criteria provided, single submitter. Criteria: Ambry Variant Classification Scheme 2023. Collection method: clinical testing. Allele origin: germline.